The following is an entry in ClinVar:

NM_006059.4(LAMC3):c.1075A>G (p.Thr359Ala)

Gene: LAMC3 (laminin subunit gamma 3; plus strand). Cytogenetic location: 9q34.12.
Variant type: single nucleotide variant.
Coding change: c.1075A>G on transcript NM_006059.4 (MANE Select); coding-DNA position 1075, A replaced by G.
Protein change: p.Thr359Ala; replaces threonine 359 with alanine.
Molecular consequence: missense variant.
Genome position (GRCh38, 1-based): chr9:131,038,962, A>G. VCF-style: chr9-131038962-A-G. GRCh37 (hg19) VCF-style: chr9-133914349-A-G.
Other names: short protein forms T359A.
Identifiers: ClinVar variation 1982748 (VCV001982748.5), dbSNP rs142819818, ClinGen allele CA5286932.
Genomic context (GRCh38, chr9:131,038,962, plus strand): 5'-GATCGGGAGCTCTTCCGCAGCACAGGCCACGGCGGGCGCTGTCACCACTGCCGTGACCAC[A>G]CAGCTGGGCCACACTGTGAGCGCTGTCAGGAGAATTTCTATCACTGGGACCCGCGGATGC-3'
Protein context (NP_006050.3, residues 349-369): GGRCHHCRDH[Thr359Ala]AGPHCERCQE

ClinVar aggregate classification (germline): Uncertain significance. Review status: criteria provided, multiple submitters, no conflicts (2 of 4 stars). 2 submissions from 2 submitters: Uncertain significance (2). Last evaluated 2023-08-17.

Allele frequency attached by ClinVar (database versions not stated): gnomAD exomes below 0.00001; ExAC 0.00002; gnomAD 0.00005; ESP Exome Variant Server 0.00008; TOPMed 0.00008.
gnomAD v4.1: 14 of 1,613,260 alleles (0.00087%); highest among the groups gnomAD compares: African/African-American, 0.019%; no homozygotes.

Submissions (2):

Labcorp Genetics (formerly Invitae), Labcorp
Classification: Uncertain significance. Last evaluated: 2023-08-17. Review status: criteria provided, single submitter. Criteria: Invitae Variant Classification Sherloc (09022015). Collection method: clinical testing. Allele origin: germline.
Comment: This variant has not been reported in the literature in individuals affected with LAMC3-related conditions. ClinVar contains an entry for this variant (Variation ID: 1982748). An algorithm developed to predict the effect of missense changes on protein structure and function (PolyPhen-2) suggests that this variant is likely to be disruptive. In summary, the available evidence is currently insufficient to determine the role of this variant in disease. Therefore, it has been classified as a Variant of Uncertain Significance. This sequence change replaces threonine, which is neutral and polar, with alanine, which is neutral and non-polar, at codon 359 of the LAMC3 protein (p.Thr359Ala). This variant is present in population databases (rs142819818, gnomAD 0.03%).

Blueprint Genetics
Classification: Uncertain significance. Last evaluated: 2019-07-25. Review status: criteria provided, single submitter. Criteria: ACMG Guidelines, 2015. Collection method: clinical testing. Allele origin: germline.